The following is an entry in ClinVar:

ClinVar aggregate classification (germline): Conflicting classifications of pathogenicity. Review status: criteria provided, conflicting classifications (1 of 4 stars). 2 submissions from 2 submitters: Uncertain significance (1); Likely benign (1). Last evaluated 2025-06-01.

Conditions:
Mitochondrial trifunctional protein deficiency. Identifiers: Orphanet 746, MedGen C1969443, MONDO:0012172.

gnomAD v4.1: 1 of 1,608,636 alleles (0.000062%); highest among the groups gnomAD compares: South Asian, 0.0011%; no homozygotes.

Submissions (2):

CeGaT Center for Human Genetics Tuebingen
Classification: Uncertain significance. Last evaluated: 2025-06-01. Review status: criteria provided, single submitter. Criteria: CeGaT Center For Human Genetics Tuebingen Variant Classification Criteria Version 2. Collection method: clinical testing. Allele origin: germline. Affected: yes. Observed: 1 variant allele.
Comment: HADHB: PM2, BP4

Labcorp Genetics (formerly Invitae), Labcorp
Classification: Likely benign for Mitochondrial trifunctional protein deficiency. Last evaluated: 2022-10-13. Review status: criteria provided, single submitter. Criteria: Invitae Variant Classification Sherloc (09022015). Collection method: clinical testing. Allele origin: germline.

NM_000183.3(HADHB):c.1014-7T>C

Gene: HADHB (hydroxyacyl-CoA dehydrogenase trifunctional multienzyme complex subunit beta; plus strand). Cytogenetic location: 2p23.3.
Variant type: single nucleotide variant.
Coding change: c.1014-7T>C on transcript NM_000183.3 (MANE Select); 7 bases into the intron before coding-DNA position 1014, T replaced by C.
Molecular consequence: intron variant.
Genome position (GRCh38, 1-based): chr2:26,282,997, T>C. VCF-style: chr2-26282997-T-C. GRCh37 (hg19) VCF-style: chr2-26505865-T-C.
Other names: c.948-7T>C (NM_001281513.2); c.969-7T>C (NM_001281512.2).
Identifiers: ClinVar variation 1138893 (VCV001138893.19), dbSNP rs2147830061, ClinGen allele CA2499215831.